The following is an entry in ClinVar:

ClinVar aggregate classification (germline): Uncertain significance (1 of 4 stars; one submission).

gnomAD v4.1: 5 of 1,614,100 alleles (0.00031%); highest among the groups gnomAD compares: Admixed American, 0.0017%; no homozygotes.

Submission:

Labcorp Genetics (formerly Invitae), Labcorp
Classification: Uncertain significance. Last evaluated: 2025-11-28. Review status: criteria provided, single submitter. Criteria: Invitae Variant Classification Sherloc (09022015). Collection method: clinical testing. Allele origin: germline.
Comment: This sequence change replaces histidine, which is basic and polar, with arginine, which is basic and polar, at codon 940 of the SNRNP200 protein (p.His940Arg). This variant is not present in population databases (gnomAD no frequency). This variant has not been reported in the literature in individuals affected with SNRNP200-related conditions. Invitae Evidence Modeling of protein sequence and biophysical properties (such as structural, functional, and spatial information, amino acid conservation, physicochemical variation, residue mobility, and thermodynamic stability) indicates that this missense variant is not expected to disrupt SNRNP200 protein function with a negative predictive value of 95%. In summary, the available evidence is currently insufficient to determine the role of this variant in disease. Therefore, it has been classified as a Variant of Uncertain Significance.

NM_014014.5(SNRNP200):c.2819A>G (p.His940Arg)

Gene: SNRNP200 (small nuclear ribonucleoprotein U5 subunit 200; minus strand). Cytogenetic location: 2q11.2.
Variant type: single nucleotide variant.
Coding change: c.2819A>G on transcript NM_014014.5 (MANE Select); coding-DNA position 2819, A replaced by G.
Protein change: p.His940Arg; replaces histidine 940 with arginine.
Molecular consequence: missense variant.
Genome position (GRCh38, 1-based): chr2:96,289,920, T>C on the plus strand (A>G on the coding strand, the complement: SNRNP200 is on the minus strand). VCF-style: chr2-96289920-T-C. GRCh37 (hg19) VCF-style: chr2-96955658-T-C.
Other names: short protein forms H940R.
Identifiers: ClinVar variation 4696488 (VCV004696488.1).